The following is an entry in ClinVar:

ClinVar aggregate classification (germline): Uncertain significance. Review status: criteria provided, multiple submitters, no conflicts (2 of 4 stars). 2 submissions from 2 submitters: Uncertain significance (2). Last evaluated 2025-07-29.

Conditions:
Saldino-Mainzer syndrome (SRTD9). Also called: short-rib thoracic dysplasia 9 with or without polydactyly; CONORENAL SYNDROME; Renal dysplasia, retinal pigmentary dystrophy, cerebellar ataxia and skeletal dysplasia; SHORT-RIB THORACIC DYSPLASIA 9 WITHOUT POLYDACTYLY. Identifiers: Orphanet 140969, MedGen C1849437, MONDO:0009964, OMIM 266920.
Inborn genetic diseases. Identifiers: MedGen C0950123, MeSH D030342.

Allele frequency attached by ClinVar (database versions not stated): gnomAD exomes below 0.00001; ExAC 0.00002; ESP Exome Variant Server 0.00008.
gnomAD v4.1: 4 of 1,610,492 alleles (0.00025%); highest among the groups gnomAD compares: South Asian, 0.0022%; no homozygotes.

Submissions (2):

Labcorp Genetics (formerly Invitae), Labcorp
Classification: Uncertain significance for Saldino-Mainzer syndrome. Last evaluated: 2025-07-29. Review status: criteria provided, single submitter. Criteria: Invitae Variant Classification Sherloc (09022015). Collection method: clinical testing. Allele origin: germline.
Comment: This sequence change replaces valine, which is neutral and non-polar, with methionine, which is neutral and non-polar, at codon 1415 of the IFT140 protein (p.Val1415Met). This variant is present in population databases (rs374429057, gnomAD 0.006%). This variant has not been reported in the literature in individuals affected with IFT140-related conditions. ClinVar contains an entry for this variant (Variation ID: 2249176). An algorithm developed to predict the effect of missense changes on protein structure and function outputs the following: PolyPhen-2: "Benign". The methionine amino acid residue is found in multiple mammalian species, which suggests that this missense change does not adversely affect protein function. In summary, the available evidence is currently insufficient to determine the role of this variant in disease. Therefore, it has been classified as a Variant of Uncertain Significance.

Ambry Genetics
Classification: Uncertain significance for Inborn genetic diseases. Last evaluated: 2021-09-22. Review status: criteria provided, single submitter. Criteria: Ambry Variant Classification Scheme 2023. Collection method: clinical testing. Allele origin: germline.

NM_014714.4(IFT140):c.4243G>A (p.Val1415Met)

Gene: IFT140 (intraflagellar transport 140; minus strand). Cytogenetic location: 16p13.3.
Variant type: single nucleotide variant.
Coding change: c.4243G>A on transcript NM_014714.4 (MANE Select); coding-DNA position 4243, G replaced by A.
Protein change: p.Val1415Met; replaces valine 1415 with methionine.
Molecular consequence: missense variant.
Genome position (GRCh38, 1-based): chr16:1,511,090, C>T on the plus strand (G>A on the coding strand, the complement: IFT140 is on the minus strand). VCF-style: chr16-1511090-C-T. GRCh37 (hg19) VCF-style: chr16-1561091-C-T.
Other names: short protein forms V1415M.
Identifiers: ClinVar variation 2249176 (VCV002249176.3), dbSNP rs374429057, ClinGen allele CA7812817.